The following is an entry in ClinVar:

NM_007294.4(BRCA1):c.3001G>A (p.Glu1001Lys)

Gene: BRCA1 (BRCA1 DNA repair associated; minus strand). Cytogenetic location: 17q21.31.
Variant type: single nucleotide variant.
Coding change: c.3001G>A on transcript NM_007294.4 (MANE Select); coding-DNA position 3001, G replaced by A.
Protein change: p.Glu1001Lys; replaces glutamic acid 1001 with lysine.
Molecular consequence: missense variant. On other transcripts: intron variant (137).
Genome position (GRCh38, 1-based): chr17:43,092,530, C>T on the plus strand (G>A on the coding strand, the complement: BRCA1 is on the minus strand). VCF-style: chr17-43092530-C-T. GRCh37 (hg19) VCF-style: chr17-41244547-C-T.
Other names: c.2788G>A, p.Glu930Lys (NM_001407571.1, NM_001407853.1, NM_001407894.1 and 9 more transcripts); c.3001G>A, p.Glu1001Lys (NM_001407581.1, NM_001407582.1, NM_001407583.1 and 30 more transcripts); c.2998G>A, p.Glu1000Lys (NM_001407587.1, NM_001407590.1, NM_001407591.1 and 22 more transcripts); c.2992G>A, p.Glu998Lys (NM_001407646.1, NM_001407647.1); c.2878G>A, p.Glu960Lys (NM_001407648.1, NM_001407664.1, NM_001407665.1 and 19 more transcripts); c.2875G>A, p.Glu959Lys (NM_001407649.1, NM_001407670.1, NM_001407671.1 and 11 more transcripts); c.2923G>A, p.Glu975Lys (NM_001407653.1, NM_001407654.1, NM_001407655.1 and 4 more transcripts); c.2920G>A, p.Glu974Lys (NM_001407659.1, NM_001407660.1, NM_001407661.1 and 1 more transcripts); and 41 more; short protein forms E1001K, E954K, E833K, E889K, E974K, E975K, E998K, E873K.
Identifiers: ClinVar variation 822554 (VCV000822554.12), dbSNP rs886038007, ClinGen allele CA10595998.

ClinVar aggregate classification (germline): Conflicting classifications of pathogenicity. Review status: criteria provided, conflicting classifications (1 of 4 stars). 4 submissions from 4 submitters: Uncertain significance (3); Likely benign (1). Last evaluated 2024-12-21.

Conditions:
Hereditary cancer-predisposing syndrome. Also called: Tumor predisposition; Hereditary Cancer Syndrome; Neoplastic Syndromes, Hereditary; Hereditary neoplastic syndrome. Identifiers: Orphanet 140162, MedGen C0027672, MeSH D009386, MONDO:0015356.
Hereditary breast ovarian cancer syndrome. Also called: Hereditary breast and ovarian cancer; Breast and ovarian cancer; Hereditary breast and/or ovarian cancer syndrome; Hereditary breast and ovarian cancer syndrome; BRCA1- and BRCA2-Associated Hereditary Breast and Ovarian Cancer; Hereditary breast and ovarian cancer syndrome (HBOC). Identifiers: Orphanet 145, MedGen C0677776, MeSH D061325, MONDO:0003582. Disease mechanism: loss of function.

Submissions (4):

Ambry Genetics
Classification: Uncertain significance for Hereditary cancer-predisposing syndrome. Last evaluated: 2024-12-21. Review status: criteria provided, single submitter. Criteria: Ambry Variant Classification Scheme 2023. Collection method: clinical testing. Allele origin: germline.
Comment: The p.E1001K variant (also known as c.3001G>A), located in coding exon 9 of the BRCA1 gene, results from a G to A substitution at nucleotide position 3001. The glutamic acid at codon 1001 is replaced by lysine, an amino acid with similar properties. This amino acid position is not well conserved in available vertebrate species. In addition, the in silico prediction for this alteration is inconclusive. Since supporting evidence is limited at this time, the clinical significance of this alteration remains unclear.

Labcorp Genetics (formerly Invitae), Labcorp
Classification: Uncertain significance for Hereditary breast ovarian cancer syndrome. Last evaluated: 2023-10-27. Review status: criteria provided, single submitter. Criteria: Invitae Variant Classification Sherloc (09022015). Collection method: clinical testing. Allele origin: germline.
Comment: This sequence change replaces glutamic acid, which is acidic and polar, with lysine, which is basic and polar, at codon 1001 of the BRCA1 protein (p.Glu1001Lys). This variant is not present in population databases (gnomAD no frequency). This variant has not been reported in the literature in individuals affected with BRCA1-related conditions. ClinVar contains an entry for this variant (Variation ID: 822554). Advanced modeling of protein sequence and biophysical properties (such as structural, functional, and spatial information, amino acid conservation, physicochemical variation, residue mobility, and thermodynamic stability) performed at Invitae indicates that this missense variant is not expected to disrupt BRCA1 protein function with a negative predictive value of 95%. In summary, the available evidence is currently insufficient to determine the role of this variant in disease. Therefore, it has been classified as a Variant of Uncertain Significance.

University of Washington Department of Laboratory Medicine, University of Washington
Classification: Likely benign for Hereditary cancer-predisposing syndrome. Last evaluated: 2023-03-23. Review status: criteria provided, single submitter. Criteria: Dines et al. (Genet Med. 2020). Collection method: curation. Allele origin: germline.
Comment: Missense variant in a coldspot region where missense variants are very unlikely to be pathogenic (PMID:31911673).

BRCA1 coldspot (exon 11 using historical exon numbering). Reclassification based on statistical prior probability

Women's Health and Genetics/Laboratory Corporation of America, LabCorp
Classification: Uncertain significance. Last evaluated: 2019-02-27. Review status: criteria provided, single submitter. Criteria: LabCorp Variant Classification Summary - May 2015. Collection method: clinical testing. Allele origin: germline.
Comment: Variant summary: BRCA1 c.3001G>A (p.Glu1001Lys) results in a conservative amino acid change in the encoded protein sequence. Four of five in-silico tools predict a benign effect of the variant on protein function. The variant was absent in 245960 control chromosomes. The available data on variant occurrences in the general population are insufficient to allow any conclusion about variant significance. To our knowledge, no occurrence of c.3001G>A in individuals affected with Hereditary Breast and Ovarian Cancer and no experimental evidence demonstrating its impact on protein function have been reported. No clinical diagnostic laboratories have submitted clinical-significance assessments for this variant to ClinVar after 2014. Based on the evidence outlined above, the variant was classified as uncertain significance.